The following is an entry in ClinVar:

NM_004928.3(CFAP410):c.78-2del

Gene: CFAP410 (cilia and flagella associated protein 410; minus strand). Cytogenetic location: 21q22.3.
Variant type: Deletion.
Coding change: c.78-2del on transcript NM_004928.3 (MANE Select); the canonical splice acceptor site of the intron before coding-DNA position 78, one base deleted (A; older notation c.78-2delA).
Molecular consequence: splice acceptor variant.
Genome position (GRCh38, 1-based): chr21:44,337,669, T deleted on the plus strand (A on the coding strand, the reverse complement: CFAP410 is on the minus strand). VCF-style (leftmost placement, unchanged base first): chr21-44337668-CT-C. GRCh37 (hg19) VCF-style: chr21-45757551-CT-C.
Other names: c.78-2del (NM_001271440.2, NM_001271441.2); c.-134-2del (NM_001271442.1).
Identifiers: ClinVar variation 1506837 (VCV001506837.8), dbSNP rs749801652, ClinGen allele CA10053880.

ClinVar aggregate classification (germline): Likely pathogenic (1 of 4 stars; one submission).

Allele frequency attached by ClinVar (database versions not stated): gnomAD exomes below 0.00001; ExAC 0.00001; ESP Exome Variant Server 0.00008.

Submission:

Labcorp Genetics (formerly Invitae), Labcorp
Classification: Likely pathogenic. Last evaluated: 2022-10-13. Review status: criteria provided, single submitter. Criteria: Invitae Variant Classification Sherloc (09022015). Collection method: clinical testing. Allele origin: germline.
Comment: This sequence change affects a splice site in intron 1 of the CFAP410 gene. It is expected to disrupt RNA splicing. Variants that disrupt the donor or acceptor splice site typically lead to a loss of protein function (PMID: 16199547), and loss-of-function variants in CFAP410 are known to be pathogenic (PMID: 23105016, 26167768). This variant is present in population databases (rs749801652, gnomAD 0.0009%). This variant has not been reported in the literature in individuals affected with CFAP410-related conditions. ClinVar contains an entry for this variant (Variation ID: 1506837). Algorithms developed to predict the effect of sequence changes on RNA splicing suggest that this variant may disrupt the consensus splice site. In summary, the currently available evidence indicates that the variant is pathogenic, but additional data are needed to prove that conclusively. Therefore, this variant has been classified as Likely Pathogenic.

Literature cited by the submitters: PubMed 16199547; PubMed 23105016; PubMed 26167768.